The following is an entry in ClinVar:

NM_177438.3(DICER1):c.2386G>A (p.Glu796Lys)

Gene: DICER1 (dicer 1, ribonuclease III; minus strand). Cytogenetic location: 14q32.13.
Variant type: single nucleotide variant.
Coding change: c.2386G>A on transcript NM_177438.3 (MANE Select); coding-DNA position 2386, G replaced by A.
Protein change: p.Glu796Lys; replaces glutamic acid 796 with lysine.
Molecular consequence: missense variant. On other transcripts: non-coding transcript variant (6).
Genome position (GRCh38, 1-based): chr14:95,108,374, C>T on the plus strand (G>A on the coding strand, the complement: DICER1 is on the minus strand). VCF-style: chr14-95108374-C-T. GRCh37 (hg19) VCF-style: chr14-95574711-C-T.
Other names: c.2386G>A, p.Glu796Lys (NM_001195573.1, NM_001271282.3, NM_001291628.2 and 12 more transcripts); c.2104G>A, p.Glu702Lys (NM_001395686.1); c.1981G>A, p.Glu661Lys (NM_001395687.1, NM_001395688.1, NM_001395689.1 and 2 more transcripts); c.1819G>A, p.Glu607Lys (NM_001395691.1); c.703G>A, p.Glu235Lys (NM_001395697.1); short protein forms E661K, E796K, E607K, E235K, E702K.
Identifiers: ClinVar variation 3272016 (VCV003272016.1).

ClinVar aggregate classification (germline): Uncertain significance (1 of 4 stars; one submission).

Conditions:
Hereditary cancer-predisposing syndrome. Also called: Tumor predisposition; Hereditary Cancer Syndrome; Hereditary neoplastic syndrome; Neoplastic Syndromes, Hereditary. Identifiers: Orphanet 140162, MedGen C0027672, MeSH D009386, MONDO:0015356.

Submission:

Ambry Genetics
Classification: Uncertain significance for Hereditary cancer-predisposing syndrome. Last evaluated: 2024-05-02. Review status: criteria provided, single submitter. Criteria: Ambry Variant Classification Scheme 2023. Collection method: clinical testing. Allele origin: germline.
Comment: The p.E796K variant (also known as c.2386G>A), located in coding exon 14 of the DICER1 gene, results from a G to A substitution at nucleotide position 2386. The glutamic acid at codon 796 is replaced by lysine, an amino acid with similar properties. This amino acid position is conserved. In addition, this alteration is predicted to be deleterious by in silico analysis. Based on the available evidence, the clinical significance of this variant remains unclear.